The following is an entry in ClinVar:

ClinVar aggregate classification (germline): Uncertain significance. Review status: criteria provided, multiple submitters, no conflicts (2 of 4 stars). 3 submissions from 3 submitters: Uncertain significance (3). Last evaluated 2026-01-12.

Conditions:
Congenital myasthenic syndrome 2A. Also called: Myasthenic syndrome, congenital, 2a, slow-channel. Identifiers: Orphanet 590, MedGen C4225374, MONDO:0014581, OMIM 616313.

Allele frequency attached by ClinVar (database versions not stated): gnomAD exomes 0.00006 and 0.00009; ExAC 0.00012; gnomAD 0.00041 and 0.00047; TOPMed 0.00043; 1000 Genomes Project 30x 0.00047; 1000 Genomes Project 0.00060; ESP Exome Variant Server 0.00100.

Submissions (3):

Labcorp Genetics (formerly Invitae), Labcorp
Classification: Uncertain significance for Congenital myasthenic syndrome 2A. Last evaluated: 2026-01-12. Review status: criteria provided, single submitter. Criteria: Invitae Variant Classification Sherloc (09022015). Collection method: clinical testing. Allele origin: germline.
Comment: This sequence change replaces valine, which is neutral and non-polar, with methionine, which is neutral and non-polar, at codon 77 of the CHRNB1 protein (p.Val77Met). This variant is present in population databases (rs140556296, gnomAD 0.1%). This variant has not been reported in the literature in individuals affected with CHRNB1-related conditions. ClinVar contains an entry for this variant (Variation ID: 291072). Invitae Evidence Modeling of protein sequence and biophysical properties (such as structural, functional, and spatial information, amino acid conservation, physicochemical variation, residue mobility, and thermodynamic stability) indicates that this missense variant is not expected to disrupt CHRNB1 protein function with a negative predictive value of 80%. In summary, the available evidence is currently insufficient to determine the role of this variant in disease. Therefore, it has been classified as a Variant of Uncertain Significance.

Revvity Omics, Revvity
Classification: Uncertain significance. Last evaluated: 2023-12-28. Review status: criteria provided, single submitter. Criteria: ACMG Guidelines, 2015. Collection method: clinical testing. Allele origin: germline.

Eurofins Ntd Llc (ga)
Classification: Uncertain significance. Last evaluated: 2016-09-22. Review status: criteria provided, single submitter. Criteria: EGL Classification Definitions 2015. Collection method: clinical testing. Allele origin: germline. Observed: 2 variant alleles, 2 heterozygotes.

NM_000747.3(CHRNB1):c.229G>A (p.Val77Met)

Gene: CHRNB1 (cholinergic receptor nicotinic beta 1 subunit; plus strand). Cytogenetic location: 17p13.1.
Variant type: single nucleotide variant.
Coding change: c.229G>A on transcript NM_000747.3 (MANE Select); coding-DNA position 229, G replaced by A.
Protein change: p.Val77Met; replaces valine 77 with methionine.
Molecular consequence: missense variant.
Genome position (GRCh38, 1-based): chr17:7,446,099, G>A. VCF-style: chr17-7446099-G-A. GRCh37 (hg19) VCF-style: chr17-7349418-G-A.
Other names: short protein forms V77M.
Identifiers: ClinVar variation 291072 (VCV000291072.14), dbSNP rs140556296, ClinGen allele CA8347685.